The following is an entry in ClinVar:

NM_003998.4(NFKB1):c.200A>G (p.His67Arg)

Gene: NFKB1 (nuclear factor kappa B subunit 1; plus strand). Cytogenetic location: 4q24.
Variant type: single nucleotide variant.
Coding change: c.200A>G on transcript NM_003998.4 (MANE Select); coding-DNA position 200, A replaced by G.
Protein change: p.His67Arg; replaces histidine 67 with arginine.
Molecular consequence: missense variant.
Genome position (GRCh38, 1-based): chr4:102,537,898, A>G. VCF-style: chr4-102537898-A-G. GRCh37 (hg19) VCF-style: chr4-103459055-A-G.
Other names: c.197A>G, p.His66Arg (NM_001165412.2, NM_001319226.2, NM_001382627.1); c.200A>G, p.His67Arg (NM_001382625.1, NM_001382626.1); c.158A>G, p.His53Arg (NM_001382628.1); short protein forms H66R, H67R, H53R.
Identifiers: ClinVar variation 2203555 (VCV002203555.4), dbSNP rs2476200380, ClinGen allele CA357957690.
Genomic context (GRCh38, chr4:102,537,898, plus strand): 5'-CTTAACGTTCACCTTTGCAGAGAGGATTTCGTTTCCGTTATGTATGTGAAGGCCCATCCC[A>G]TGGTGGACTACCTGGTGCCTCTAGTGAAAAGAACAAGAAGTCTTACCCTCAGGTCAAAGT-3'
Protein context (NP_003989.2, residues 57-77): RFRYVCEGPS[His67Arg]GGLPGASSEK

ClinVar aggregate classification (germline): Pathogenic (1 of 4 stars; one submission).

Submission:

Labcorp Genetics (formerly Invitae), Labcorp
Classification: Pathogenic. Last evaluated: 2024-11-19. Review status: criteria provided, single submitter. Criteria: Invitae Variant Classification Sherloc (09022015). Collection method: clinical testing. Allele origin: germline.
Comment: This sequence change replaces histidine, which is basic and polar, with arginine, which is basic and polar, at codon 67 of the NFKB1 protein (p.His67Arg). This variant is not present in population databases (gnomAD no frequency). This missense change has been observed in individual(s) with autosomal dominant common variable immunodeficiency (PMID: 28115215, 29403474). It has also been observed to segregate with disease in related individuals. ClinVar contains an entry for this variant (Variation ID: 2203555). Invitae Evidence Modeling of protein sequence and biophysical properties (such as structural, functional, and spatial information, amino acid conservation, physicochemical variation, residue mobility, and thermodynamic stability) indicates that this missense variant is expected to disrupt NFKB1 protein function with a positive predictive value of 80%. Experimental studies have shown that this missense change affects NFKB1 function (PMID: 28115215). For these reasons, this variant has been classified as Pathogenic.

Literature cited by the submitters: PubMed 28115215; PubMed 29403474.